The following is an entry in ClinVar:

NM_000718.4(CACNA1B):c.6709G>A (p.Ala2237Thr)

Gene: CACNA1B (calcium voltage-gated channel subunit alpha1 B; plus strand). Cytogenetic location: 9q34.3.
Variant type: single nucleotide variant.
Coding change: c.6709G>A on transcript NM_000718.4 (MANE Select); coding-DNA position 6709, G replaced by A.
Protein change: p.Ala2237Thr; replaces alanine 2237 with threonine.
Molecular consequence: missense variant. On other transcripts: synonymous variant (1).
Genome position (GRCh38, 1-based): chr9:138,121,688, G>A. VCF-style: chr9-138121688-G-A. GRCh37 (hg19) VCF-style: chr9-141016140-G-A.
Other names: c.6522G>A, p.Thr2174= (NM_001243812.2); short protein forms A2237T.
Identifiers: ClinVar variation 2161358 (VCV002161358.26), dbSNP rs77641565, ClinGen allele CA5377789.

ClinVar aggregate classification (germline): Uncertain significance. Review status: criteria provided, multiple submitters, no conflicts (2 of 4 stars). 5 submissions from 5 submitters: Uncertain significance (5). Last evaluated 2025-03-13.

Conditions:
CACNA1B-related disorder. Also called: CACNA1B-related condition.

Allele frequency attached by ClinVar (database versions not stated): ExAC 0.00026; gnomAD exomes 0.00030; ESP Exome Variant Server 0.00032; gnomAD 0.00032; TOPMed 0.00035.
gnomAD v4.1: 475 of 1,612,976 alleles (0.029%); highest among the groups gnomAD compares: Admixed American, 0.037%; no homozygotes.

Submissions (5):

GeneDx
Classification: Uncertain significance. Last evaluated: 2025-03-13. Review status: criteria provided, single submitter. Criteria: GeneDx Variant Classification Process June 2021. Collection method: clinical testing. Allele origin: germline. Affected: yes.
Comment: In silico analysis indicates that this missense variant does not alter protein structure/function; Has not been previously published as pathogenic or benign to our knowledge

PreventionGenetics, part of Exact Sciences
Classification: Uncertain significance for CACNA1B-related condition. Last evaluated: 2025-02-21. Review status: criteria provided, single submitter. Criteria: ACMG Guidelines, 2015. Collection method: clinical testing. Allele origin: germline.
Comment: The CACNA1B c.6709G>A variant is predicted to result in the amino acid substitution p.Ala2237Thr. To our knowledge, this variant has not been reported in the literature. This variant is reported in 0.037% of alleles in individuals of African descent in gnomAD. At this time, the clinical significance of this variant is uncertain due to the absence of conclusive functional and genetic evidence.

CeGaT Center for Human Genetics Tuebingen
Classification: Uncertain significance. Last evaluated: 2023-11-01. Review status: criteria provided, single submitter. Criteria: CeGaT Center For Human Genetics Tuebingen Variant Classification Criteria Version 2. Collection method: clinical testing. Allele origin: germline. Affected: yes. Observed: 2 variant alleles.
Comment: CACNA1B: PM2:Supporting

Labcorp Genetics (formerly Invitae), Labcorp
Classification: Uncertain significance. Last evaluated: 2022-09-01. Review status: criteria provided, single submitter. Criteria: Invitae Variant Classification Sherloc (09022015). Collection method: clinical testing. Allele origin: germline.
Comment: This sequence change replaces alanine, which is neutral and non-polar, with threonine, which is neutral and polar, at codon 2237 of the CACNA1B protein (p.Ala2237Thr). This variant is present in population databases (rs77641565, gnomAD 0.04%). This variant has not been reported in the literature in individuals affected with CACNA1B-related conditions. Advanced modeling of protein sequence and biophysical properties (such as structural, functional, and spatial information, amino acid conservation, physicochemical variation, residue mobility, and thermodynamic stability) performed at Invitae indicates that this missense variant is not expected to disrupt CACNA1B protein function. In summary, the available evidence is currently insufficient to determine the role of this variant in disease. Therefore, it has been classified as a Variant of Uncertain Significance.

Ambry Genetics
Classification: Uncertain significance. Last evaluated: 2021-09-01. Review status: criteria provided, single submitter. Criteria: Ambry Variant Classification Scheme 2023. Collection method: clinical testing. Allele origin: germline.